The following is an entry in ClinVar:

ClinVar aggregate classification (germline): Likely pathogenic (1 of 4 stars; one submission).

Conditions:
Congenital disorder of glycosylation, type Iw, autosomal dominant (CDG1WAD). Identifiers: MedGen C5562068, MONDO:0859223, OMIM 619714.

Submission:

Laboratorio de Genetica e Diagnostico Molecular, Hospital Israelita Albert Einstein
Classification: Likely pathogenic for Congenital disorder of glycosylation, type Iw, autosomal dominant. Last evaluated: 2022-04-20. Review status: criteria provided, single submitter. Criteria: ACMG Guidelines, 2015. Collection method: clinical testing. Allele origin: germline. Affected: yes.
Comment: ACMG classification criteria: PM2 moderated, PM5 moderated, PP2 supporting, PP3 supporting

NM_152713.5(STT3A):c.1213C>A (p.Arg405Ser)

Gene: STT3A (STT3 oligosaccharyltransferase complex catalytic subunit A; plus strand). Cytogenetic location: 11q24.2.
Variant type: single nucleotide variant.
Coding change: c.1213C>A on transcript NM_152713.5 (MANE Select); coding-DNA position 1213, C replaced by A.
Protein change: p.Arg405Ser; replaces arginine 405 with serine.
Molecular consequence: missense variant.
Genome position (GRCh38, 1-based): chr11:125,612,595, C>A. VCF-style: chr11-125612595-C-A. GRCh37 (hg19) VCF-style: chr11-125482490-C-A.
Other names: c.1213C>A, p.Arg405Ser (NM_001278503.2); c.937C>A, p.Arg313Ser (NM_001278504.2); short protein forms R313S, R405S.
Identifiers: ClinVar variation 2431752 (VCV002431752.2), dbSNP rs2135938300, ClinGen allele CA383185522.